The following is an entry in ClinVar:

ClinVar aggregate classification (germline): Uncertain significance (1 of 4 stars; one submission).

Submission:

Labcorp Genetics (formerly Invitae), Labcorp
Classification: Uncertain significance. Last evaluated: 2025-06-29. Review status: criteria provided, single submitter. Criteria: Invitae Variant Classification Sherloc (09022015). Collection method: clinical testing. Allele origin: germline.
Comment: This sequence change replaces glycine, which is neutral and non-polar, with cysteine, which is neutral and slightly polar, at codon 680 of the MKL1 protein (p.Gly680Cys). This variant is not present in population databases (gnomAD no frequency). This variant has not been reported in the literature in individuals affected with MKL1-related conditions. An algorithm developed to predict the effect of missense changes on protein structure and function (PolyPhen-2) suggests that this variant is likely to be disruptive. In summary, the available evidence is currently insufficient to determine the role of this variant in disease. Therefore, it has been classified as a Variant of Uncertain Significance.

NM_020831.6(MRTFA):c.2338G>T (p.Gly780Cys)

Gene: MRTFA (myocardin related transcription factor A; minus strand). Cytogenetic location: 22q13.1.
Variant type: single nucleotide variant.
Coding change: c.2338G>T on transcript NM_020831.6 (MANE Select); coding-DNA position 2338, G replaced by T.
Protein change: p.Gly780Cys; replaces glycine 780 with cysteine.
Molecular consequence: missense variant.
Genome position (GRCh38, 1-based): chr22:40,418,400, C>A on the plus strand (G>T on the coding strand, the complement: MRTFA is on the minus strand). VCF-style: chr22-40418400-C-A. GRCh37 (hg19) VCF-style: chr22-40814404-C-A.
Other names: c.2038G>T, p.Gly680Cys (NM_001282660.2); c.2188G>T, p.Gly730Cys (NM_001282661.3); c.2338G>T, p.Gly780Cys (NM_001282662.3); c.2143G>T, p.Gly715Cys (NM_001318139.2); short protein forms G730C, G715C, G680C, G780C.
Identifiers: ClinVar variation 4722337 (VCV004722337.1).